The following is an entry in ClinVar:

NM_001386393.1(PANK2):c.673A>G (p.Lys225Glu)

Gene: PANK2 (pantothenate kinase 2; plus strand). Cytogenetic location: 20p13.
Variant type: single nucleotide variant.
Coding change: c.673A>G on transcript NM_001386393.1 (MANE Select); coding-DNA position 673, A replaced by G.
Protein change: p.Lys225Glu; replaces lysine 225 with glutamic acid.
Molecular consequence: missense variant. On other transcripts: 5 prime UTR variant (1), non-coding transcript variant (1).
Genome position (GRCh38, 1-based): chr20:3,910,598, A>G. VCF-style: chr20-3910598-A-G. GRCh37 (hg19) VCF-style: chr20-3891245-A-G.
Other names: c.130A>G, p.Lys44Glu (NM_001324191.2, NM_024960.6, NM_153640.4); c.-306A>G (NM_001324193.2); c.1003A>G, p.Lys335Glu (NM_153638.4); short protein forms K335E, K225E, K44E.
Identifiers: ClinVar variation 3723695 (VCV003723695.2).

ClinVar aggregate classification (germline): Pathogenic (1 of 4 stars; one submission).

Conditions:
Pigmentary pallidal degeneration (NBIA1). Also called: PKAN NEUROAXONAL DYSTROPHY, JUVENILE-ONSET; Neurodegeneration with brain iron accumulation 1; HARP SYNDROME; Pantothenate Kinase-Associated Neurodegeneration; Neuroaxonal dystrophy, late infantile; Hallervorden-Spatz disease. Identifiers: Orphanet 157850, MedGen C0018523, MONDO:0009319, OMIM 234200.

Submission:

Labcorp Genetics (formerly Invitae), Labcorp
Classification: Pathogenic for Pigmentary pallidal degeneration. Last evaluated: 2024-03-24. Review status: criteria provided, single submitter. Criteria: Invitae Variant Classification Sherloc (09022015). Collection method: clinical testing. Allele origin: germline.
Comment: This sequence change replaces lysine, which is basic and polar, with glutamic acid, which is acidic and polar, at codon 335 of the PANK2 protein (p.Lys335Glu). This variant is not present in population databases (gnomAD no frequency). This missense change has been observed in individual(s) with neurodegeneration with brain iron accumulation (PMID: 18074375, 22103354). Advanced modeling of protein sequence and biophysical properties (such as structural, functional, and spatial information, amino acid conservation, physicochemical variation, residue mobility, and thermodynamic stability) performed at Invitae indicates that this missense variant is expected to disrupt PANK2 protein function with a positive predictive value of 95%. For these reasons, this variant has been classified as Pathogenic.

Literature cited by the submitters: PubMed 18074375; PubMed 22103354.